The following is an entry in ClinVar:

ClinVar aggregate classification (germline): Benign/Likely benign. Review status: criteria provided, multiple submitters, no conflicts (2 of 4 stars). 2 submissions from 2 submitters: Benign (1); Likely benign (1). Last evaluated 2022-12-01.

Allele frequency attached by ClinVar (database versions not stated): 1000 Genomes Project 0.00120; 1000 Genomes Project 30x 0.00156; gnomAD 0.00178 and 0.00187; ExAC 0.00179; gnomAD exomes 0.00180 and 0.00280; TOPMed 0.00205; ESP Exome Variant Server 0.00331.
gnomAD v4.1: 4,346 of 1,614,082 alleles (0.27%); highest among the groups gnomAD compares: Non-Finnish European, 0.34%; 7 homozygotes.

Submissions (2):

CeGaT Center for Human Genetics Tuebingen
Classification: Likely benign. Last evaluated: 2022-12-01. Review status: criteria provided, single submitter. Criteria: CeGaT Center For Human Genetics Tuebingen Variant Classification Criteria Version 2. Collection method: clinical testing. Allele origin: germline. Affected: yes. Observed: 1 variant allele.
Comment: SNTG1: BP4, BP7

Labcorp Genetics (formerly Invitae), Labcorp
Classification: Benign. Last evaluated: 2018-04-11. Review status: criteria provided, single submitter. Criteria: Invitae Variant Classification Sherloc (09022015). Collection method: clinical testing. Allele origin: germline.

NM_018967.5(SNTG1):c.1134C>T (p.Leu378=)

Gene: SNTG1 (syntrophin gamma 1; plus strand). Cytogenetic location: 8q11.21.
Variant type: single nucleotide variant.
Coding change: c.1134C>T on transcript NM_018967.5 (MANE Select); coding-DNA position 1134, C replaced by T.
Protein change: p.Leu378=; no amino-acid change (leucine 378 retained).
Molecular consequence: synonymous variant. On other transcripts: non-coding transcript variant (5).
Genome position (GRCh38, 1-based): chr8:50,704,695, C>T. VCF-style: chr8-50704695-C-T. GRCh37 (hg19) VCF-style: chr8-51617255-C-T.
Other names: c.1134C>T, p.Leu378= (NM_001287813.3, NM_001287814.3, NM_001321773.2 and 4 more transcripts).
Identifiers: ClinVar variation 711319 (VCV000711319.27), dbSNP rs145454514, ClinGen allele CA4744280.